The following is an entry in ClinVar:

ClinVar aggregate classification (germline): Uncertain significance (1 of 4 stars; one submission).

gnomAD v4.1: 1 of 1,610,572 alleles (0.000062%); highest among the groups gnomAD compares: Non-Finnish European, 0.000085%; no homozygotes.

Submission:

GeneDx
Classification: Uncertain significance. Last evaluated: 2025-04-28. Review status: criteria provided, single submitter. Criteria: GeneDx Variant Classification Process June 2021. Collection method: clinical testing. Allele origin: germline. Affected: yes.
Comment: Not observed at significant frequency in large population cohorts (gnomAD); In silico analysis indicates that this missense variant does not alter protein structure/function; Has not been previously published as pathogenic or benign to our knowledge

NM_015340.4(LARS2):c.2678G>T (p.Arg893Ile)

Gene: LARS2 (leucyl-tRNA synthetase 2, mitochondrial; plus strand). Cytogenetic location: 3p21.31.
Variant type: single nucleotide variant.
Coding change: c.2678G>T on transcript NM_015340.4 (MANE Select); coding-DNA position 2678, G replaced by T.
Protein change: p.Arg893Ile; replaces arginine 893 with isoleucine.
Molecular consequence: missense variant.
Genome position (GRCh38, 1-based): chr3:45,547,496, G>T. VCF-style: chr3-45547496-G-T. GRCh37 (hg19) VCF-style: chr3-45588988-G-T.
Other names: c.2678G>T, p.Arg893Ile (NM_001368263.1); short protein forms R893I.
Identifiers: ClinVar variation 4527082 (VCV004527082.1).